The following is an entry in ClinVar:

NM_016070.4(MRPS23):c.539_540delinsGG (p.Pro180Arg)

Gene: MRPS23 (mitochondrial ribosomal protein S23; minus strand). Cytogenetic location: 17q22.
Variant type: Indel.
Coding change: c.539_540delinsGG on transcript NM_016070.4 (MANE Select); coding-DNA positions 539 to 540, CT replaced by GG.
Protein change: p.Pro180Arg; replaces proline 180 with arginine.
Molecular consequence: missense variant.
Genome position (GRCh38, 1-based): chr17:57,839,816-57,839,817, AG replaced by CC on the plus strand (CT replaced by GG on the coding strand, the reverse complement: MRPS23 is on the minus strand). VCF-style: chr17-57839816-AG-CC. GRCh37 (hg19) VCF-style: chr17-55917177-AG-CC.
Other names: short protein forms P180R.
Identifiers: ClinVar variation 2170237 (VCV002170237.4), dbSNP rs2545345723, ClinGen allele CA2580094274.

ClinVar aggregate classification (germline): Uncertain significance (1 of 4 stars; one submission).

Submission:

Labcorp Genetics (formerly Invitae), Labcorp
Classification: Uncertain significance. Last evaluated: 2025-11-24. Review status: criteria provided, single submitter. Criteria: Invitae Variant Classification Sherloc (09022015). Collection method: clinical testing. Allele origin: germline.
Comment: This sequence change replaces proline, which is neutral and non-polar, with arginine, which is basic and polar, at codon 180 of the MRPS23 protein (p.Pro180Arg). This variant is present in population databases (no rsID available, gnomAD 0.0007%). This variant has not been reported in the literature in individuals affected with MRPS23-related conditions. ClinVar contains an entry for this variant (Variation ID: 2170237). An algorithm developed to predict the effect of missense changes on protein structure and function (PolyPhen-2) suggests that this variant is likely to be tolerated. In summary, the available evidence is currently insufficient to determine the role of this variant in disease. Therefore, it has been classified as a Variant of Uncertain Significance.